The following is an entry in ClinVar:

ClinVar aggregate classification (germline): Uncertain significance (1 of 4 stars; one submission).

Conditions:
Dyskeratosis congenita, autosomal recessive 5 (DKCB5). Identifiers: MedGen C3554656, MONDO:0014076, OMIM 615190.
Pulmonary fibrosis and/or bone marrow failure, Telomere-related, 3. Also called: PULMONARY FIBROSIS AND/OR BONE MARROW FAILURE SYNDROME, TELOMERE-RELATED, 3. Identifiers: Orphanet 2032, MedGen C4225346, MONDO:0014613, OMIM 616373.

Submission:

Labcorp Genetics (formerly Invitae), Labcorp
Classification: Uncertain significance for Dyskeratosis congenita, autosomal recessive 5; Pulmonary fibrosis and/or bone marrow failure, Telomere-related, 3. Last evaluated: 2025-11-15. Review status: criteria provided, single submitter. Criteria: Invitae Variant Classification Sherloc (09022015). Collection method: clinical testing. Allele origin: germline.
Comment: This sequence change replaces leucine, which is neutral and non-polar, with proline, which is neutral and non-polar, at codon 799 of the RTEL1 protein (p.Leu799Pro). This variant is not present in population databases (gnomAD no frequency). This variant has not been reported in the literature in individuals affected with RTEL1-related conditions. An algorithm developed to predict the effect of missense changes on protein structure and function (PolyPhen-2) suggests that this variant is likely to be disruptive. In summary, the available evidence is currently insufficient to determine the role of this variant in disease. Therefore, it has been classified as a Variant of Uncertain Significance.

NM_001283009.2(RTEL1):c.2396T>C (p.Leu799Pro)

Genes: RTEL1 (regulator of telomere elongation helicase 1; plus strand), RTEL1-TNFRSF6B (RTEL1-TNFRSF6B readthrough (NMD candidate); plus strand). Cytogenetic location: 20q13.33.
Variant type: single nucleotide variant.
Coding change: c.2396T>C on transcript NM_001283009.2 (MANE Select); coding-DNA position 2396, T replaced by C.
Protein change: p.Leu799Pro; replaces leucine 799 with proline.
Molecular consequence: missense variant. On other transcripts: non-coding transcript variant (1).
Genome position (GRCh38, 1-based): chr20:63,690,424, T>C. VCF-style: chr20-63690424-T-C. GRCh37 (hg19) VCF-style: chr20-62321777-T-C.
Other names: c.1727T>C, p.Leu576Pro (NM_001283010.1); c.2396T>C, p.Leu799Pro (NM_016434.4); c.2468T>C, p.Leu823Pro (NM_032957.5); short protein forms L576P, L799P, L823P.
Identifiers: ClinVar variation 4785713 (VCV004785713.1).